The following is an entry in ClinVar:

NM_001161352.2(KCNMA1):c.2488C>T (p.Arg830Ter)

Genes: KCNMA1 (potassium calcium-activated channel subfamily M alpha 1; minus strand), KCNMA1-AS1 (KCNMA1 antisense RNA 1; plus strand). Cytogenetic location: 10q22.3.
Variant type: single nucleotide variant.
Coding change: c.2488C>T on transcript NM_001161352.2 (MANE Select); coding-DNA position 2488, C replaced by T.
Protein change: p.Arg830Ter; replaces arginine 830 with a stop codon.
Molecular consequence: nonsense.
Genome position (GRCh38, 1-based): chr10:76,949,363, G>A on the plus strand (C>T on the coding strand, the complement: KCNMA1 is on the minus strand). VCF-style: chr10-76949363-G-A. GRCh37 (hg19) VCF-style: chr10-78709121-G-A.
Other names: c.2326C>T, p.Arg776Ter (NM_001014797.3, NM_001322835.2, NM_001322837.2); c.2437C>T, p.Arg813Ter (NM_001161353.2); c.2164C>T, p.Arg722Ter (NM_001271518.2); c.2323C>T, p.Arg775Ter (NM_001271519.2, NM_001322829.2, NM_001322836.2); c.2335C>T, p.Arg779Ter (NM_001322830.2); c.2314C>T, p.Arg772Ter (NM_001322832.2, NM_002247.4); c.1861C>T, p.Arg621Ter (NM_001322838.2); short protein forms R722*, R776*, R813*, R621*, R772*, R775*, R779*, R830*.
Identifiers: ClinVar variation 942734 (VCV000942734.8), dbSNP rs2065361594, ClinGen allele CA377406575.

ClinVar aggregate classification (germline): Pathogenic (1 of 4 stars; one submission).

Conditions:
Generalized epilepsy-paroxysmal dyskinesia syndrome (PNKD3). Also called: Generalized epilepsy and paroxysmal dyskinesia; Paroxysmal nonkinesigenic dyskinesia, 3, with or without generalized epilepsy. Identifiers: Orphanet 79137, MedGen C5574945, MONDO:0012276, OMIM 609446.

Allele frequency attached by ClinVar (database versions not stated): gnomAD exomes below 0.00001.
gnomAD v4.1: 2 of 1,613,114 alleles (0.00012%); highest among the groups gnomAD compares: Non-Finnish European, 0.00017%; no homozygotes.

Submission:

Labcorp Genetics (formerly Invitae), Labcorp
Classification: Pathogenic for Generalized epilepsy-paroxysmal dyskinesia syndrome. Last evaluated: 2024-10-23. Review status: criteria provided, single submitter. Criteria: Invitae Variant Classification Sherloc (09022015). Collection method: clinical testing. Allele origin: germline.
Comment: This sequence change creates a premature translational stop signal (p.Arg772*) in the KCNMA1 gene. It is expected to result in an absent or disrupted protein product. Loss-of-function variants in KCNMA1 are known to be pathogenic (PMID: 27567911, 29545233). This variant is not present in population databases (gnomAD no frequency). This variant has not been reported in the literature in individuals affected with KCNMA1-related conditions. ClinVar contains an entry for this variant (Variation ID: 942734). For these reasons, this variant has been classified as Pathogenic.

Literature cited by the submitters: PubMed 27567911; PubMed 29545233.